The following is an entry in ClinVar:

NM_001164688.2(RD3):c.238C>T (p.Gln80Ter)

Gene: RD3 (RD3 regulator of GUCY2D; minus strand). Cytogenetic location: 1q32.3.
Variant type: single nucleotide variant.
Coding change: c.238C>T on transcript NM_001164688.2 (MANE Select); coding-DNA position 238, C replaced by T.
Protein change: p.Gln80Ter; replaces glutamine 80 with a stop codon.
Molecular consequence: nonsense.
Genome position (GRCh38, 1-based): chr1:211,481,178, G>A on the plus strand (C>T on the coding strand, the complement: RD3 is on the minus strand). VCF-style: chr1-211481178-G-A. GRCh37 (hg19) VCF-style: chr1-211654520-G-A.
Other names: c.238C>T, p.Gln80Ter (NM_183059.3); short protein forms Q80*.
Identifiers: ClinVar variation 2106862 (VCV002106862.4), dbSNP rs1410405989, ClinGen allele CA344879272.
Genomic context (GRCh38, chr1:211,481,178, plus strand): 5'-ACCTGAGGATAGCAGGCCCACAATAGGATGGGTGGATCTTAACGCAGACATCTTCCAGCT[G>A]CAACCGCTCAATGGGGCTGAGGTCATAGGTGGACCGGGGTGTGCTGGCCAGCCAGCTGTA-3'

ClinVar aggregate classification (germline): Pathogenic (1 of 4 stars; one submission).

Conditions:
Leber congenital amaurosis 12 (LCA12). Identifiers: Orphanet 65, MedGen C1857743, MONDO:0012525, OMIM 610612.

Allele frequency attached by ClinVar (database versions not stated): gnomAD exomes below 0.00001; TOPMed below 0.00001; gnomAD 0.00001.
gnomAD v4.1: 2 of 1,614,162 alleles (0.00012%); highest among the groups gnomAD compares: South Asian, 0.0011%; no homozygotes.

Submission:

Labcorp Genetics (formerly Invitae), Labcorp
Classification: Pathogenic for Leber congenital amaurosis 12. Last evaluated: 2022-03-04. Review status: criteria provided, single submitter. Criteria: Invitae Variant Classification Sherloc (09022015). Collection method: clinical testing. Allele origin: germline.
Comment: This variant has not been reported in the literature in individuals affected with RD3-related conditions. For these reasons, this variant has been classified as Pathogenic. This variant is not present in population databases (gnomAD no frequency). This sequence change creates a premature translational stop signal (p.Gln80*) in the RD3 gene. It is expected to result in an absent or disrupted protein product. Loss-of-function variants in RD3 are known to be pathogenic (PMID: 23308101).

Literature cited by the submitters: PubMed 23308101.